The following is an entry in ClinVar:

ClinVar aggregate classification (germline): Benign (0 of 4 stars; one submission).

Conditions:
LOXL1-related disorder. Also called: LOXL1-related condition.

Allele frequency attached by ClinVar (database versions not stated): 1000 Genomes Project 30x 0.00203; ESP Exome Variant Server 0.00233; gnomAD 0.00237; TOPMed 0.00279; 1000 Genomes Project 0.00300.
gnomAD v4.1: 693 of 1,601,832 alleles (0.043%); highest among the groups gnomAD compares: African/African-American, 0.76%; 1 homozygote.

Submission:

PreventionGenetics, part of Exact Sciences
Classification: Benign for LOXL1-related condition. Last evaluated: 2019-09-25. Review status: no assertion criteria provided. Collection method: clinical testing. Allele origin: germline.
Comment: This variant is classified as benign based on ACMG/AMP sequence variant interpretation guidelines (Richards et al. 2015 PMID: 25741868, with internal and published modifications).

NM_005576.4(LOXL1):c.482C>T (p.Ser161Leu)

Genes: LOXL1 (lysyl oxidase like 1; plus strand), LOXL1-AS1 (LOXL1 antisense RNA 1; minus strand). Cytogenetic location: 15q24.1.
Variant type: single nucleotide variant.
Coding change: c.482C>T on transcript NM_005576.4 (MANE Select); coding-DNA position 482, C replaced by T.
Protein change: p.Ser161Leu; replaces serine 161 with leucine.
Molecular consequence: missense variant.
Genome position (GRCh38, 1-based): chr15:73,927,265, C>T. VCF-style: chr15-73927265-C-T. GRCh37 (hg19) VCF-style: chr15-74219606-C-T.
Other names: short protein forms S161L.
Identifiers: ClinVar variation 3040211 (VCV003040211.2), dbSNP rs145943705, ClinGen allele CA7651558.